The following is an entry in ClinVar:

ClinVar aggregate classification (germline): Pathogenic (1 of 4 stars; one submission).

Submission:

CeGaT Center for Human Genetics Tuebingen
Classification: Pathogenic. Last evaluated: 2022-06-01. Review status: criteria provided, single submitter. Criteria: CeGaT Center For Human Genetics Tuebingen Variant Classification Criteria Version 2. Collection method: clinical testing. Allele origin: germline. Affected: yes. Observed: 1 variant allele.
Comment: CAMTA1: PVS1, PM2, PS2:Moderate

NM_015215.4(CAMTA1):c.1156del (p.Val386fs)

Gene: CAMTA1 (calmodulin binding transcription activator 1; plus strand). Cytogenetic location: 1p36.23.
Variant type: Deletion.
Coding change: c.1156del on transcript NM_015215.4 (MANE Select); coding-DNA position 1156, one base deleted (G; older notation c.1156delG).
Protein change: p.Val386fs; shifts the reading frame from valine 386.
Molecular consequence: frameshift variant.
Genome position (GRCh38, 1-based): chr1:7,663,703, G deleted; the last of 2 consecutive G bases (chr1:7,663,702-7,663,703); deleting either gives the same sequence. VCF-style (leftmost placement, unchanged base first): chr1-7663701-CG-C. GRCh37 (hg19) VCF-style: chr1-7723761-CG-C.
Other names: c.1066del, p.Val356fs (NM_001349608.2, NM_001349612.2); c.1156del, p.Val386fs (NM_001349609.2, NM_001349610.2); short protein forms V356fs, V386fs.
Identifiers: ClinVar variation 1694485 (VCV001694485.31), dbSNP rs2149156374, ClinGen allele CA2580062553.
Genomic context (GRCh38, chr1:7,663,701, plus strand): 5'-GGCTCAACAGCGACCCGGACATGGTGGACAGCCCGGTGGTCACAGGTGTGTCCGGTATGG[CG>C]GTGGCCTCTGTGATGGGGAGCTTGTCCCAGAGCGCCACGGTGTTCATGTCAGAGGTCACC-3'